The following is an entry in ClinVar:

ClinVar aggregate classification (germline): Uncertain significance (1 of 4 stars; one submission).

Submission:

Labcorp Genetics (formerly Invitae), Labcorp
Classification: Uncertain significance. Last evaluated: 2023-04-05. Review status: criteria provided, single submitter. Criteria: Invitae Variant Classification Sherloc (09022015). Collection method: clinical testing. Allele origin: germline.
Comment: This sequence change creates a premature translational stop signal (p.Trp81*) in the RGR gene. It is expected to result in an absent or disrupted protein product. However, the current clinical and genetic evidence is not sufficient to establish whether loss-of-function variants in RGR cause disease. This variant is not present in population databases (gnomAD no frequency). This variant has not been reported in the literature in individuals affected with RGR-related conditions. Experimental studies and prediction algorithms are not available or were not evaluated, and the functional significance of this variant is currently unknown. In summary, the available evidence is currently insufficient to determine the role of this variant in disease. Therefore, it has been classified as a Variant of Uncertain Significance.

NM_001012720.2(RGR):c.243G>A (p.Trp81Ter)

Gene: RGR (retinal G protein coupled receptor; plus strand). Cytogenetic location: 10q23.1.
Variant type: single nucleotide variant.
Coding change: c.243G>A on transcript NM_001012720.2 (MANE Select); coding-DNA position 243, G replaced by A.
Protein change: p.Trp81Ter; replaces tryptophan 81 with a stop codon.
Molecular consequence: nonsense.
Genome position (GRCh38, 1-based): chr10:84,248,928, G>A. VCF-style: chr10-84248928-G-A. GRCh37 (hg19) VCF-style: chr10-86008684-G-A.
Other names: c.243G>A, p.Trp81Ter (NM_001012722.2); c.255G>A, p.Trp85Ter (NM_002921.4); short protein forms W81*, W85*.
Identifiers: ClinVar variation 1496312 (VCV001496312.6), dbSNP rs751515197, ClinGen allele CA377391030.